The following is an entry in ClinVar:

ClinVar aggregate classification (germline): Pathogenic/Likely pathogenic. Review status: criteria provided, multiple submitters, no conflicts (2 of 4 stars). 3 submissions from 3 submitters: Pathogenic (1); Likely pathogenic (1). 1 of the submissions does not count toward it. Last evaluated 2024-10-21.

Conditions:
Maple syrup urine disease type 1A (MSUD1A). Also called: MSUD type 1A. Identifiers: MedGen C1855369, MONDO:0023691, OMIM 248600.
Maple syrup urine disease type 1B (MSUD1B). Also called: MSUD type IB; MSUD type 3 (formerly); MSUD due to deficiency of e1-beta subunit of branched-chain alpha-keto acid dehydrogenase complex. Identifiers: MedGen C2930990, MONDO:0023692, OMIM 620698.
Maple syrup urine disease (MSUD). Identifiers: Orphanet 511, MedGen C0024776, MeSH D008375, MONDO:0009563. Disease mechanism: loss of function.

Submissions (3):

Natera, Inc.
Classification: Likely pathogenic for Maple syrup urine disease type 1B. Last evaluated: 2024-10-21. Review status: criteria provided, single submitter. Criteria: Natera Variant Classification Schema (03/2026). Collection method: clinical testing. Allele origin: germline.
Comment: The c.343+2T>G variant in BCKDHB is a canonical splice donor site variant predicted to affect pre-mRNA splicing, which may result in an abnormal transcript and altered protein product. This variant may result in a truncated or dysfunctional protein product. This variant is rare in the general population with a frequency below the threshold expected for the associated phenotype(s). This variant has been observed in one or more individuals affected with the associated recessive disease, as either homozygous or compound heterozygous with a second variant (PMID: 26786177). Given the available evidence, this variant is classified as Likely Pathogenic.

Labcorp Genetics (formerly Invitae), Labcorp
Classification: Pathogenic for Maple syrup urine disease. Last evaluated: 2023-02-26. Review status: criteria provided, single submitter. Criteria: Invitae Variant Classification Sherloc (09022015). Collection method: clinical testing. Allele origin: germline.
Comment: For these reasons, this variant has been classified as Pathogenic. Algorithms developed to predict the effect of sequence changes on RNA splicing suggest that this variant may disrupt the consensus splice site. ClinVar contains an entry for this variant (Variation ID: 556442). Disruption of this splice site has been observed in individual(s) with maple syrup urine disease (PMID: 26786177). In at least one individual the data is consistent with being in trans (on the opposite chromosome) from a pathogenic variant. This variant is not present in population databases (gnomAD no frequency). This sequence change affects a donor splice site in intron 3 of the BCKDHB gene. It is expected to disrupt RNA splicing. Variants that disrupt the donor or acceptor splice site typically lead to a loss of protein function (PMID: 16199547), and loss-of-function variants in BCKDHB are known to be pathogenic (PMID: 16786533, 22593002).

Counsyl
Classification: Likely pathogenic for Maple syrup urine disease type 1A. Last evaluated: 2018-02-07. Review status: no assertion criteria provided. Collection method: clinical testing. Allele origin: unknown. Not counted in ClinVar's aggregate classification.

Literature cited by the submitters: PubMed 26786177 (cited by 3 submitters); PubMed 16199547 (cited by Labcorp Genetics (formerly Invitae), Labcorp); PubMed 16786533 (cited by Labcorp Genetics (formerly Invitae), Labcorp); PubMed 22593002 (cited by Labcorp Genetics (formerly Invitae), Labcorp).

NM_183050.4(BCKDHB):c.343+2T>G

Gene: BCKDHB (branched chain keto acid dehydrogenase E1 subunit beta; plus strand). Cytogenetic location: 6q14.1.
Variant type: single nucleotide variant.
Coding change: c.343+2T>G on transcript NM_183050.4 (MANE Select); the canonical splice donor site of the intron after coding-DNA position 343, T replaced by G.
Molecular consequence: splice donor variant.
Genome position (GRCh38, 1-based): chr6:80,129,231, T>G. VCF-style: chr6-80129231-T-G. GRCh37 (hg19) VCF-style: chr6-80838948-T-G.
Other names: c.133+2T>G (NM_001318975.1); c.343+2T>G (NM_000056.5, NM_183050.3).
Identifiers: ClinVar variation 556442 (VCV000556442.6), dbSNP rs1554184237, ClinGen allele CA364659278.
Genomic context (GRCh38, chr6:80,129,231, plus strand): 5'-TGAAGATGTTGCCTTTGGTGGAGTCTTTAGATGCACTGTTGGCTTGCGAGACAAATATGG[T>G]AAGTAAATACCTATATGAATAGTATTCTGATAGAACTTTTACTAAAAGATCTTAAAAATA-3'